The following is an entry in ClinVar:

NM_139137.4(KCNC2):c.92G>A (p.Gly31Glu)

Gene: KCNC2 (potassium voltage-gated channel subfamily C member 2; minus strand). Cytogenetic location: 12q21.1.
Variant type: single nucleotide variant.
Coding change: c.92G>A on transcript NM_139137.4 (MANE Select); coding-DNA position 92, G replaced by A.
Protein change: p.Gly31Glu; replaces glycine 31 with glutamic acid.
Molecular consequence: missense variant. On other transcripts: non-coding transcript variant (2).
Genome position (GRCh38, 1-based): chr12:75,207,892, C>T on the plus strand (G>A on the coding strand, the complement: KCNC2 is on the minus strand). VCF-style: chr12-75207892-C-T. GRCh37 (hg19) VCF-style: chr12-75601672-C-T.
Other names: c.92G>A, p.Gly31Glu (NM_001260497.2, NM_001260498.2, NM_001260499.2 and 13 more transcripts); short protein forms G31E.
Identifiers: ClinVar variation 4279635 (VCV004279635.1).

ClinVar aggregate classification (germline): Uncertain significance (1 of 4 stars; one submission).

Conditions:
Developmental and epileptic encephalopathy 103 (DEE103). Identifiers: MedGen C5677002, MONDO:0030957, OMIM 619913.

Submission:

Diagnostics Services (NGS), CSIR - Centre For Cellular And Molecular Biology
Classification: Uncertain significance for Developmental and epileptic encephalopathy 103. Last evaluated: 2025-08-12. Review status: criteria provided, single submitter. Criteria: ACMG Guidelines, 2015. Collection method: clinical testing. Allele origin: germline. Affected: yes. Observed: 1 variant allele, 1 heterozygote.
Comment: The c.92G>A variant is not present in publicly available population databases like 1000 Genomes, EVS, gnomAD, Indian Exome Database or our internal database. This variant has neither been published in the literature for KCNC2-related conditions nor reported to clinical databases like Human Genome Mutation Database (HGMD), ClinVar or OMIM in any affected individuals. In-silico pathogenicity prediction programs like Polyphen-2, MutationTaster2021, CADD, etc predicted this variant to be likely deleterious however these predictions were not confirmed in published functional studies.